The following is an entry in ClinVar:

NC_000016.10:g.(?_15726828)_(15727074_?)del

Gene: MYH11 (myosin heavy chain 11; minus strand). Cytogenetic location: 16p13.11.
Variant type: Deletion.
Identifiers: ClinVar variation 642644 (VCV000642644.1).

ClinVar aggregate classification (germline): Uncertain significance (1 of 4 stars; one submission).

Conditions:
Aortic aneurysm, familial thoracic 4 (AAT4). Also called: AORTIC ANEURYSM/AORTIC DISSECTION AND PATENT DUCTUS ARTERIOSUS. Identifiers: MedGen C1851504, MONDO:0007568, OMIM 132900.

Submission:

Labcorp Genetics (formerly Invitae), Labcorp
Classification: Uncertain significance for Aortic aneurysm, familial thoracic 4. Last evaluated: 2018-08-20. Review status: criteria provided, single submitter. Criteria: Invitae Variant Classification Sherloc (09022015). Collection method: clinical testing. Allele origin: germline.
Comment: This variant is an in-frame deletion of the genomic region encompassing exon 29 of the MYH11 gene. It preserves the integrity of the reading frame. This deletion of exon 29 has been reported in an individual affected with thoracic aortic aneurysm and dissectionÂ¬â€ (Invitae). In summary, the available evidence is currently insufficient to determine the role of this variant in disease. Therefore, it has been classified as a Variant of Uncertain Significance.